The following is an entry in ClinVar:

NM_020921.4(NIN):c.4076C>T (p.Pro1359Leu)

Gene: NIN (ninein; minus strand). Cytogenetic location: 14q22.1.
Variant type: single nucleotide variant.
Coding change: c.4076C>T on transcript NM_020921.4 (MANE Select); coding-DNA position 4076, C replaced by T.
Protein change: p.Pro1359Leu; replaces proline 1359 with leucine.
Molecular consequence: missense variant. On other transcripts: intron variant (1).
Genome position (GRCh38, 1-based): chr14:50,756,954, G>A on the plus strand (C>T on the coding strand, the complement: NIN is on the minus strand). VCF-style: chr14-50756954-G-A. GRCh37 (hg19) VCF-style: chr14-51223672-G-A.
Other names: c.4076C>T, p.Pro1359Leu (NM_182944.3, NM_182946.2); c.2400-2087C>T (NM_016350.5); short protein forms P1359L.
Identifiers: ClinVar variation 4708620 (VCV004708620.1).

ClinVar aggregate classification (germline): Uncertain significance (1 of 4 stars; one submission).

Submission:

Labcorp Genetics (formerly Invitae), Labcorp
Classification: Uncertain significance. Last evaluated: 2025-07-06. Review status: criteria provided, single submitter. Criteria: Invitae Variant Classification Sherloc (09022015). Collection method: clinical testing. Allele origin: germline.
Comment: This sequence change replaces proline, which is neutral and non-polar, with leucine, which is neutral and non-polar, at codon 1359 of the NIN protein (p.Pro1359Leu). This variant is not present in population databases (gnomAD no frequency). This variant has not been reported in the literature in individuals affected with NIN-related conditions. An algorithm developed to predict the effect of missense changes on protein structure and function (PolyPhen-2) suggests that this variant is likely to be tolerated. In summary, the available evidence is currently insufficient to determine the role of this variant in disease. Therefore, it has been classified as a Variant of Uncertain Significance.